The following is an entry in ClinVar:

ClinVar aggregate classification (germline): Uncertain significance. Review status: criteria provided, multiple submitters, no conflicts (2 of 4 stars). 2 submissions from 2 submitters: Uncertain significance (2). Last evaluated 2025-10-07.

Conditions:
Renal cell carcinoma. Identifiers: Orphanet 217071, MedGen C0007134, MeSH D002292, MONDO:0005086, HP:0005584.
Hereditary cancer-predisposing syndrome. Also called: Hereditary neoplastic syndrome; Hereditary Cancer Syndrome; Neoplastic Syndromes, Hereditary; Tumor predisposition. Identifiers: Orphanet 140162, MedGen C0027672, MeSH D009386, MONDO:0015356.

gnomAD v4.1: 3 of 1,614,004 alleles (0.00019%); highest among the groups gnomAD compares: Non-Finnish European, 0.00017%; no homozygotes.

Submissions (2):

Labcorp Genetics (formerly Invitae), Labcorp
Classification: Uncertain significance for Renal cell carcinoma. Last evaluated: 2025-10-07. Review status: criteria provided, single submitter. Criteria: Invitae Variant Classification Sherloc (09022015). Collection method: clinical testing. Allele origin: germline.
Comment: This sequence change replaces arginine, which is basic and polar, with proline, which is neutral and non-polar, at codon 469 of the MET protein (p.Arg469Pro). This variant is not present in population databases (gnomAD no frequency). This variant has not been reported in the literature in individuals affected with MET-related conditions. ClinVar contains an entry for this variant (Variation ID: 1404739). Invitae Evidence Modeling of protein sequence and biophysical properties (such as structural, functional, and spatial information, amino acid conservation, physicochemical variation, residue mobility, and thermodynamic stability) indicates that this missense variant is expected to disrupt MET protein function with a positive predictive value of 80%. In summary, the available evidence is currently insufficient to determine the role of this variant in disease. Therefore, it has been classified as a Variant of Uncertain Significance.

Ambry Genetics
Classification: Uncertain significance for Hereditary cancer-predisposing syndrome. Last evaluated: 2022-12-02. Review status: criteria provided, single submitter. Criteria: Ambry Variant Classification Scheme 2023. Collection method: clinical testing. Allele origin: germline.
Comment: The p.R469P variant (also known as c.1406G>C), located in coding exon 3 of the MET gene, results from a G to C substitution at nucleotide position 1406. The arginine at codon 469 is replaced by proline, an amino acid with dissimilar properties. This alteration was identified in 1/118 individuals with inherited RCC who underwent MGPT (Smith PS et al. Genes Chromosomes Cancer, 2021 Jan;60:5-16). This amino acid position is highly conserved in available vertebrate species. In addition, the in silico prediction for this alteration is inconclusive. Since supporting evidence is limited at this time, the clinical significance of this alteration remains unclear.

Literature cited by the submitters: PubMed 32830346 (cited by Ambry Genetics).

NM_000245.4(MET):c.1406G>C (p.Arg469Pro)

Gene: MET (MET proto-oncogene, receptor tyrosine kinase; plus strand). Cytogenetic location: 7q31.2.
Variant type: single nucleotide variant.
Coding change: c.1406G>C on transcript NM_000245.4 (MANE Select); coding-DNA position 1406, G replaced by C.
Protein change: p.Arg469Pro; replaces arginine 469 with proline.
Molecular consequence: missense variant.
Genome position (GRCh38, 1-based): chr7:116,739,963, G>C. VCF-style: chr7-116739963-G-C. GRCh37 (hg19) VCF-style: chr7-116380017-G-C.
Other names: c.1406G>C (NM_001127500.1); c.1406G>C, p.Arg469Pro (NM_001127500.3, NM_001324401.3); c.116G>C, p.Arg39Pro (NM_001324402.2); short protein forms R469P, R39P.
Identifiers: ClinVar variation 1404739 (VCV001404739.7), dbSNP rs752842662, ClinGen allele CA368974030.